The following is an entry in ClinVar:

NM_006415.4(SPTLC1):c.1137-1G>A

Gene: SPTLC1 (serine palmitoyltransferase long chain base subunit 1; minus strand). Cytogenetic location: 9q22.31.
Variant type: single nucleotide variant.
Coding change: c.1137-1G>A on transcript NM_006415.4 (MANE Select); the canonical splice acceptor site of the intron before coding-DNA position 1137, G replaced by A.
Molecular consequence: splice acceptor variant.
Genome position (GRCh38, 1-based): chr9:92,038,366, C>T on the plus strand (G>A on the coding strand, the complement: SPTLC1 is on the minus strand). VCF-style: chr9-92038366-C-T. GRCh37 (hg19) VCF-style: chr9-94800648-C-T.
Other names: c.1137-1G>A (NM_001281303.2); c.771-1G>A (NM_001368272.1); c.672-1G>A (NM_001368273.1).
Identifiers: ClinVar variation 1380757 (VCV001380757.7), dbSNP rs1833219877, ClinGen allele CA373790974.

ClinVar aggregate classification (germline): Uncertain significance. Review status: criteria provided, multiple submitters, no conflicts (2 of 4 stars). 2 submissions from 2 submitters: Uncertain significance (2). Last evaluated 2025-08-18.

Conditions:
Hereditary sensory and autonomic neuropathy type 1 (HSAN1). Also called: HSAN 1; HSN Type I; Hereditary Sensory Neuropathy Type I. Identifiers: Orphanet 36386, MedGen C0020071, MONDO:0018213.

Allele frequency attached by ClinVar (database versions not stated): gnomAD exomes below 0.00001; TOPMed below 0.00001.
gnomAD v4.1: 3 of 1,592,614 alleles (0.00019%); highest among the groups gnomAD compares: Non-Finnish European, 0.00026%; no homozygotes.

Submissions (2):

GeneDx
Classification: Uncertain significance. Last evaluated: 2025-08-18. Review status: criteria provided, single submitter. Criteria: GeneDx Variant Classification Process June 2021. Collection method: clinical testing. Allele origin: germline. Affected: yes.
Comment: Not observed at significant frequency in large population cohorts (gnomAD); Canonical splice site variant in a gene or region of a gene for which loss of function is not a well-established mechanism of disease; Has not been previously published as pathogenic or benign to our knowledge

Labcorp Genetics (formerly Invitae), Labcorp
Classification: Uncertain significance for Hereditary sensory and autonomic neuropathy type 1. Last evaluated: 2025-03-13. Review status: criteria provided, single submitter. Criteria: Invitae Variant Classification Sherloc (09022015). Collection method: clinical testing. Allele origin: germline.
Comment: This sequence change affects an acceptor splice site in intron 12 of the SPTLC1 gene. It is expected to disrupt RNA splicing. Variants that disrupt the donor or acceptor splice site typically lead to a loss of protein function (PMID: 16199547), however the current clinical and genetic evidence is not sufficient to establish whether loss-of-function variants in SPTLC1 cause disease. This variant is not present in population databases (gnomAD no frequency). This variant has not been reported in the literature in individuals affected with SPTLC1-related conditions. ClinVar contains an entry for this variant (Variation ID: 1380757). Algorithms developed to predict the effect of sequence changes on RNA splicing suggest that this variant may disrupt the consensus splice site. In summary, the available evidence is currently insufficient to determine the role of this variant in disease. Therefore, it has been classified as a Variant of Uncertain Significance.

Literature cited by the submitters: PubMed 16199547 (cited by Labcorp Genetics (formerly Invitae), Labcorp).